The following is an entry in ClinVar:

NM_201384.3(PLEC):c.4853C>T (p.Ala1618Val)

Gene: PLEC (plectin; minus strand). Cytogenetic location: 8q24.3.
Variant type: single nucleotide variant.
Coding change: c.4853C>T on transcript NM_201384.3 (MANE Select); coding-DNA position 4853, C replaced by T.
Protein change: p.Ala1618Val; replaces alanine 1618 with valine.
Molecular consequence: missense variant.
Genome position (GRCh38, 1-based): chr8:143,925,076, G>A on the plus strand (C>T on the coding strand, the complement: PLEC is on the minus strand). VCF-style: chr8-143925076-G-A. GRCh37 (hg19) VCF-style: chr8-144999244-G-A.
Other names: p.Ala1645Val; c.4934C>T, p.Ala1645Val (NM_000445.5); c.4811C>T, p.Ala1604Val (NM_201378.4); c.4787C>T, p.Ala1596Val (NM_201379.3); c.5264C>T, p.Ala1755Val (NM_201380.4); c.4757C>T, p.Ala1586Val (NM_201381.3); c.4853C>T, p.Ala1618Val (NM_201382.4); c.4865C>T, p.Ala1622Val (NM_201383.3); short protein forms A1586V, A1596V, A1645V, A1604V, A1618V, A1755V, A1622V.
Identifiers: ClinVar variation 1430117 (VCV001430117.23), dbSNP rs1183457619, ClinGen allele CA372552276.

ClinVar aggregate classification (germline): Uncertain significance. Review status: criteria provided, multiple submitters, no conflicts (2 of 4 stars). 3 submissions from 3 submitters: Uncertain significance (3). Last evaluated 2025-03-18.

Conditions:
Epidermolysis bullosa simplex, Ogna type (EBS5A). Also called: EPIDERMOLYSIS BULLOSA SIMPLEX 5A, OGNA TYPE; Pidermolysis bullosa simplex 5A, Ogna type. Identifiers: Orphanet 79401, MedGen C0432317, MONDO:0007555, OMIM 131950.
Epidermolysis bullosa simplex 5C, with pyloric atresia (EBS5C). Also called: PLEC1-Related Epidermolysis Bullosa with Pyloric Atresia; PLEC-Related Epidermolysis Bullosa with Pyloric Atresia; Epidermolysis bullosa simplex with pyloric atresia. Identifiers: Orphanet 158684, MedGen C2677349, MONDO:0012807, OMIM 612138.
Epidermolysis bullosa simplex 5B, with muscular dystrophy (EBS5B). Also called: Epidermolysis bullosa simplex with muscular dystrophy; EPIDERMOLYSIS BULLOSA SIMPLEX AND LIMB-GIRDLE MUSCULAR DYSTROPHY. Identifiers: Orphanet 257, MedGen C2931072, MONDO:0009181, OMIM 226670.
Autosomal recessive limb-girdle muscular dystrophy type 2Q (LGMDR17). Also called: MUSCULAR DYSTROPHY, LIMB-GIRDLE, AUTOSOMAL RECESSIVE 17. Identifiers: Orphanet 254361, MedGen C3150989, MONDO:0013390, OMIM 613723.
Epidermolysis bullosa simplex with nail dystrophy (EBS5D). Identifiers: MedGen C4225309, MONDO:0014661, OMIM 616487.

Allele frequency attached by ClinVar (database versions not stated): TOPMed below 0.00001; gnomAD 0.00001; gnomAD exomes 0.00002 and 0.00004.
gnomAD v4.1: 10 of 1,538,730 alleles (0.00065%); highest among the groups gnomAD compares: Admixed American, 0.014%; no homozygotes.

Submissions (3):

Mayo Clinic Laboratories, Mayo Clinic
Classification: Uncertain significance. Last evaluated: 2025-03-18. Review status: criteria provided, single submitter. Criteria: ACMG Guidelines, 2015. Collection method: clinical testing. Allele origin: germline. Observed: 2 variant alleles.
Comment: BP4_moderate

CeGaT Center for Human Genetics Tuebingen
Classification: Uncertain significance. Last evaluated: 2024-07-01. Review status: criteria provided, single submitter. Criteria: CeGaT Center For Human Genetics Tuebingen Variant Classification Criteria Version 2. Collection method: clinical testing. Allele origin: germline. Affected: yes. Observed: 1 variant allele.
Comment: PLEC: PM2

Labcorp Genetics (formerly Invitae), Labcorp
Classification: Uncertain significance for Autosomal recessive limb-girdle muscular dystrophy type 2Q; Epidermolysis bullosa simplex, Ogna type; Epidermolysis bullosa simplex with nail dystrophy; Epidermolysis bullosa simplex 5C, with pyloric atresia; Epidermolysis bullosa simplex 5B, with muscular dystrophy. Last evaluated: 2021-09-29. Review status: criteria provided, single submitter. Criteria: Invitae Variant Classification Sherloc (09022015). Collection method: clinical testing. Allele origin: germline.
Comment: In summary, the available evidence is currently insufficient to determine the role of this variant in disease. Therefore, it has been classified as a Variant of Uncertain Significance. Algorithms developed to predict the effect of missense changes on protein structure and function are either unavailable or do not agree on the potential impact of this missense change (SIFT: "Tolerated"; PolyPhen-2: "Not Available"; Align-GVGD: "Class C0"). This variant has not been reported in the literature in individuals affected with PLEC-related conditions. The frequency data for this variant in the population databases is considered unreliable, as metrics indicate insufficient coverage at this position in the ExAC database. This sequence change replaces alanine with valine at codon 1645 of the PLEC protein (p.Ala1645Val). The alanine residue is highly conserved and there is a small physicochemical difference between alanine and valine.